The following is an entry in ClinVar:

NM_005222.4(DLX6):c.102GCA[10] (p.Gln44_Pro45insGlnGlnGln)

Genes: DLX6 (distal-less homeobox 6; plus strand), DLX6-AS1 (DLX6 antisense RNA 1; minus strand). Cytogenetic location: 7q21.3.
Variant type: Microsatellite.
Coding change: c.102GCA[10] on transcript NM_005222.4 (MANE Select); ten copies in a row of the 3-base unit GCA starting at c.102; the reference has seven copies in a row; three copies, 9 bases duplicated.
Protein change: p.Gln44_Pro45insGlnGlnGln.
Molecular consequence: inframe insertion.
Genome position (GRCh38, 1-based): chr7:97,006,091-97,006,099, GCAGCAGCA duplicated; duplicating any 9 consecutive bases within chr7:97,006,077-97,006,099 gives the same sequence; the position shown is the placement nearest the transcript's 3' end. VCF-style (leftmost placement, unchanged base first): chr7-97006076-A-ACAGCAGCAG. GRCh37 (hg19) VCF-style: chr7-96635388-A-ACAGCAGCAG.
Identifiers: ClinVar variation 2887892 (VCV002887892.3), dbSNP rs747232821, ClinGen allele CA4353705.
Genomic context (GRCh38, chr7:97,006,076, plus strand): 5'-CCAGGACTCGTCCAAATCCGCCTTCATGGAGTTCGGGCAGCAGCAGCAGCAGCAGCAGCA[A>ACAGCAGCAG]CAGCAGCAGCAGCAGCAGCAGCAACAGCAACAGCCGCCGCCGCCGCCGCCGCCGCCGCCG-3'

ClinVar aggregate classification (germline): Uncertain significance (1 of 4 stars; one submission).

Submission:

Labcorp Genetics (formerly Invitae), Labcorp
Classification: Uncertain significance. Last evaluated: 2023-08-03. Review status: criteria provided, single submitter. Criteria: Invitae Variant Classification Sherloc (09022015). Collection method: clinical testing. Allele origin: germline.
Comment: This variant, c.114_122dup, results in the insertion of 3 amino acid(s) of the DLX6 protein (p.Gln42_Gln44dup), but otherwise preserves the integrity of the reading frame. The frequency data for this variant in the population databases is considered unreliable, as metrics indicate poor data quality at this position in the gnomAD database. This variant has not been reported in the literature in individuals affected with DLX6-related conditions. In summary, the available evidence is currently insufficient to determine the role of this variant in disease. Therefore, it has been classified as a Variant of Uncertain Significance.